The following is an entry in ClinVar:

NM_014946.4(SPAST):c.1537-1G>A

Gene: SPAST (spastin; plus strand). Cytogenetic location: 2p22.3.
Variant type: single nucleotide variant.
Coding change: c.1537-1G>A on transcript NM_014946.4 (MANE Select); the canonical splice acceptor site of the intron before coding-DNA position 1537, G replaced by A.
Molecular consequence: splice acceptor variant.
Genome position (GRCh38, 1-based): chr2:32,143,335, G>A. VCF-style: chr2-32143335-G-A. GRCh37 (hg19) VCF-style: chr2-32368404-G-A.
Other names: c.1441-1G>A (NM_199436.2, NM_001377959.1); c.1534-1G>A (NM_001363823.2); c.1438-1G>A (NM_001363875.2).
Identifiers: ClinVar variation 935243 (VCV000935243.13), dbSNP rs1553319280, ClinGen allele CA346503561.

ClinVar aggregate classification (germline): Pathogenic. Review status: criteria provided, multiple submitters, no conflicts (2 of 4 stars). 3 submissions from 3 submitters: Pathogenic (3). Last evaluated 2024-07-26.

Conditions:
Hereditary spastic paraplegia 4. Also called: Spastic Paraplegia 4; Spastic paraplegia 4, autosomal dominant; Familial spastic paraplegia autosomal dominant 2. Identifiers: Orphanet 100985, MedGen C1866855, MONDO:0008438, OMIM 182601.

Submissions (3):

GeneDx
Classification: Pathogenic. Last evaluated: 2024-07-26. Review status: criteria provided, single submitter. Criteria: GeneDx Variant Classification Process June 2021. Collection method: clinical testing. Allele origin: germline. Affected: yes.
Comment: Observed in a patient with hereditary spastic paraplegia in the published literature without further clinical details provided (PMID: 34983064); Canonical splice site variant predicted to result in a null allele in a gene for which loss of function is a known mechanism of disease; Not observed at significant frequency in large population cohorts (gnomAD); This variant is associated with the following publications: (PMID: 34983064)

Labcorp Genetics (formerly Invitae), Labcorp
Classification: Pathogenic for Hereditary spastic paraplegia 4. Last evaluated: 2022-06-10. Review status: criteria provided, single submitter. Criteria: Invitae Variant Classification Sherloc (09022015). Collection method: clinical testing. Allele origin: germline.
Comment: This variant is not present in population databases (gnomAD no frequency). This sequence change affects an acceptor splice site in intron 13 of the SPAST gene. It is expected to disrupt RNA splicing. Variants that disrupt the donor or acceptor splice site typically lead to a loss of protein function (PMID: 16199547), and loss-of-function variants in SPAST are known to be pathogenic (PMID: 20932283). Disruption of this splice site has been observed in individuals with spastic paraplegia (PMID: 10699187, 20718791). For these reasons, this variant has been classified as Pathogenic. Algorithms developed to predict the effect of sequence changes on RNA splicing suggest that this variant may disrupt the consensus splice site. ClinVar contains an entry for this variant (Variation ID: 935243).

Paris Brain Institute, Inserm - ICM
Classification: Pathogenic for Hereditary spastic paraplegia 4. Review status: criteria provided, single submitter. Criteria: ACMG Guidelines, 2015. Collection method: clinical testing. Allele origin: unknown. Affected: yes. Observed: 1 variant allele.

Literature cited by the submitters: PubMed 16199547 (cited by Labcorp Genetics (formerly Invitae), Labcorp); PubMed 20932283 (cited by Labcorp Genetics (formerly Invitae), Labcorp); PubMed 10699187 (cited by Labcorp Genetics (formerly Invitae), Labcorp); PubMed 20718791 (cited by Labcorp Genetics (formerly Invitae), Labcorp).